The following is an entry in ClinVar:

ClinVar aggregate classification (germline): Uncertain significance. Review status: reviewed by expert panel (3 of 4 stars). 12 submissions from 12 submitters: Uncertain significance (1). 11 of the submissions do not count toward it. Last evaluated 2021-08-25.

Conditions:
Dilated cardiomyopathy 1S (CMD1S). Identifiers: Orphanet 154, Orphanet 54260, MedGen C1834481, MONDO:0013262, OMIM 613426.
Myosin storage myopathy (CMYO7A). Also called: MYOPATHY WITH LYSIS OF TYPE I MYOFIBRILS; Scapuloperoneal myopathy, MYH7-related; MYOPATHY, HYALINE BODY, AUTOSOMAL DOMINANT; SCAPULOPERONEAL MUSCULAR DYSTROPHY; SCAPULOPERONEAL SYNDROME, MYOPATHIC TYPE; MYH7-related late-onset scapuloperoneal muscular dystrophy. Identifiers: Orphanet 437572, Orphanet 636965, MedGen C1842160, MONDO:0008409, OMIM 608358.
Hypertrophic cardiomyopathy 1 (CMH1). Also called: MYH7-Related Familial Hypertrophic Cardiomyopathy; Familial hypertrophic cardiomyopathy 1. Identifiers: MedGen C3495498, MONDO:0008647, OMIM 192600.
MYH7-related skeletal myopathy. Also called: MYOPATHY, DISTAL, EARLY-ONSET, AUTOSOMAL DOMINANT; MYOPATHY, LATE DISTAL HEREDITARY; Laing distal myopathy; Laing early-onset distal myopathy; Myopathy, distal, 1. Identifiers: Orphanet 59135, MedGen C4552004, MONDO:0008050, OMIM 160500.
Congenital myopathy with fiber type disproportion. Also called: Congenital fiber-type disproportion myopathy; Congenital fiber-type disproportion. Identifiers: Orphanet 2020, MedGen C0546264, MONDO:0009711. Inheritance: all.
Myopathy, myosin storage, autosomal recessive (CMYO7B). Also called: CONGENITAL MYOPATHY 7B, MYOSIN STORAGE, AUTOSOMAL RECESSIVE. Identifiers: Orphanet 636970, MedGen C1850709, MONDO:0009708, OMIM 255160.
Cardiovascular phenotype. Identifiers: MedGen CN230736.
Cardiomyopathy (CMYO). Also called: Cardiomyopathies. Identifiers: Orphanet 167848, MedGen C0878544, MONDO:0004994, HP:0001638. Inheritance: Various modes of inheritance.
Primary familial hypertrophic cardiomyopathy (HCM). Identifiers: Orphanet 99739, MedGen C0949658, MeSH D024741, MONDO:0024573. Inheritance: Various modes of inheritance.
Hypertrophic cardiomyopathy. Also called: HYPERTROPHIC MYOCARDIOPATHY. Identifiers: Orphanet 217569, MedGen C0007194, MeSH D002312, MONDO:0005045, HP:0001639.

Allele frequency attached by ClinVar (database versions not stated): ExAC 0.00001; gnomAD exomes 0.00002; TOPMed 0.00003; gnomAD 0.00004 and 0.00005; ESP Exome Variant Server 0.00015.
gnomAD v4.1: 31 of 1,614,144 alleles (0.0019%); highest among the groups gnomAD compares: Non-Finnish European, 0.0025%; no homozygotes.

Submissions (12):

ClinGen Cardiomyopathy Variant Curation Expert Panel
Classification: Uncertain significance for Hypertrophic cardiomyopathy. Last evaluated: 2021-08-25. Review status: reviewed by expert panel. Criteria: ClinGen CMP ACMG Specifications v1. Collection method: curation. Allele origin: germline. Inheritance: Autosomal dominant inheritance.
Comment: The c.5305C>A (p.Leu1769Met) variant in MYH7 has been reported in 5 individuals with HCM, including 1 individual with an additional variant in another gene that may contribute to their disease (PS4_Supporting; Girolami 2006 PMID:16858239; Santos 2012 PMID:22429680; GeneDx pers. comm.), as well as in 1 individual with DCM (Stanford Center for Inherited Cardiovascular Disease, ClinVar SCV000280363.1), and 3 individuals with other cardiac phenotypes (1 with syncope and VT, 1 with unspecified cardiomyopathy, and 1 with dysplastic pulmonary valve and stenosis; GeneDx pers. comm.; Mayo Clinic Laboratories pers. comm.). This variant was identified in 0.002% (FAF 95% CI; 6/129192) of European chromosomes in gnomAD v2.1.1 (PM2). Computational prediction tools and conservation analysis suggest that this variant may impact the protein (PP3). In summary, due to insufficient evidence, this variant is classified as uncertain significance for hypertrophic cardiomyopathy in an autosomal dominant manner. MYH7-specific ACMG/AMP criteria applied (Kelly 2018 PMID:29300372): PS4_Supporting, PM2, PP3.

Molecular Diagnostic Laboratory for Inherited Cardiovascular Disease, Montreal Heart Institute
Classification: Uncertain significance for Cardiovascular phenotype. Last evaluated: 2025-04-09. Review status: criteria provided, single submitter. Criteria: ACMG Guidelines, 2015. Collection method: clinical testing. Allele origin: germline. Affected: yes. Not counted in ClinVar's aggregate classification.

Color Diagnostics, LLC DBA Color Health
Classification: Uncertain significance for Cardiomyopathy. Last evaluated: 2024-12-10. Review status: criteria provided, single submitter. Criteria: ACMG Guidelines, 2015. Collection method: clinical testing. Allele origin: germline. Not counted in ClinVar's aggregate classification.
Comment: This missense variant replaces leucine with methionine at codon 1769 of the MYH7 protein. Computational prediction suggests that this variant may have a deleterious impact on protein structure and function. To our knowledge, functional studies have not been reported for this variant. This variant has been reported in individuals affected with hypertrophic cardiomyopathy (PMID: 16858239, 18533079, 22429680). This variant has been identified in 7/282896 chromosomes in the general population by the Genome Aggregation Database (gnomAD). The available evidence is insufficient to determine the role of this variant in disease conclusively. Therefore, this variant is classified as a Variant of Uncertain Significance.

Ambry Genetics
Classification: Uncertain significance for Cardiovascular phenotype. Last evaluated: 2024-11-22. Review status: criteria provided, single submitter. Criteria: Ambry Variant Classification Scheme 2023. Collection method: clinical testing. Allele origin: germline. Not counted in ClinVar's aggregate classification.
Comment: The p.L1769M variant (also known as c.5305C>A), located in coding exon 35 of the MYH7 gene, results from a C to A substitution at nucleotide position 5305. The leucine at codon 1769 is replaced by methionine, an amino acid with highly similar properties. This variant was reported in individual(s) with features consistent with hypertrophic cardiomyopathy (HCM)(Girolami F et al. J Cardiovasc Med (Hagerstown), 2006 Aug;7:601-7; Olivotto I et al. Mayo Clin Proc, 2008 Jun;83:630-8; Santos S et al. BMC Med Genet, 2012 Mar;13:17). This amino acid position is highly conserved in available vertebrate species. In addition, this alteration is predicted to be deleterious by in silico analysis. Based on the available evidence, the clinical significance of this variant remains unclear.

Blueprint Genetics
Classification: Uncertain significance. Last evaluated: 2024-10-08. Review status: criteria provided, single submitter. Criteria: ACMG Guidelines, 2015. Collection method: clinical testing. Allele origin: germline. Not counted in ClinVar's aggregate classification.

All of Us Research Program, National Institutes of Health
Classification: Uncertain significance for Cardiomyopathy. Last evaluated: 2024-02-05. Review status: criteria provided, single submitter. Criteria: ACMG Guidelines, 2015. Collection method: clinical testing. Allele origin: germline. Inheritance: Autosomal dominant inheritance. Observed: 10 variant alleles, 10 heterozygotes. Not counted in ClinVar's aggregate classification.
Comment: This missense variant replaces leucine with methionine at codon 1769 of the MYH7 protein. Computational prediction suggests that this variant may have deleterious impact on protein structure and function (internally defined REVEL score threshold >= 0.7, PMID: 27666373). To our knowledge, functional studies have not been reported for this variant. This variant has been reported in two individuals affected with hypertrophic cardiomyopathy (PMID: 16858239, 18533079, 22429680). This variant has been identified in 7/282896 chromosomes in the general population by the Genome Aggregation Database (gnomAD). The available evidence is insufficient to determine the role of this variant in disease conclusively. Therefore, this variant is classified as a Variant of Uncertain Significance.

This study involves interpretation of variants in research participants for the purpose of population health screening. Participant phenotype was not available at the time of variant classification. Additional details can be found in publication PMID: 35346344, PMCID: PMC8962531

Labcorp Genetics (formerly Invitae), Labcorp
Classification: Uncertain significance for Hypertrophic cardiomyopathy. Last evaluated: 2024-01-15. Review status: criteria provided, single submitter. Criteria: Invitae Variant Classification Sherloc (09022015). Collection method: clinical testing. Allele origin: germline. Not counted in ClinVar's aggregate classification.
Comment: This sequence change replaces leucine, which is neutral and non-polar, with methionine, which is neutral and non-polar, at codon 1769 of the MYH7 protein (p.Leu1769Met). This variant is present in population databases (rs139222507, gnomAD 0.005%). This missense change has been observed in individual(s) with hypertrophic cardiomyopathy (PMID: 16858239, 22429680). ClinVar contains an entry for this variant (Variation ID: 161323). Advanced modeling of protein sequence and biophysical properties (such as structural, functional, and spatial information, amino acid conservation, physicochemical variation, residue mobility, and thermodynamic stability) performed at Invitae indicates that this missense variant is expected to disrupt MYH7 protein function with a positive predictive value of 95%. In summary, the available evidence is currently insufficient to determine the role of this variant in disease. Therefore, it has been classified as a Variant of Uncertain Significance.

Fulgent Genetics
Classification: Uncertain significance for MYH7-related skeletal myopathy; Myosin storage myopathy; Hypertrophic cardiomyopathy 1; Myopathy, myosin storage, autosomal recessive; Congenital myopathy 4A, autosomal dominant; Dilated cardiomyopathy 1S. Last evaluated: 2021-09-01. Review status: criteria provided, single submitter. Criteria: ACMG Guidelines, 2015. Collection method: clinical testing. Allele origin: unknown. Not counted in ClinVar's aggregate classification.

Laboratory for Molecular Medicine, Mass General Brigham Personalized Medicine
Classification: Uncertain significance for Hypertrophic cardiomyopathy. Last evaluated: 2021-08-05. Review status: criteria provided, single submitter. Criteria: ACMG Guidelines, 2015. Collection method: clinical testing. Allele origin: germline. Not counted in ClinVar's aggregate classification.
Comment: The p.Leu1769Met variant in MYH7 has been reported in 2 individuals with hypertrophic cardiomyopathy (Girolami 2006 PMID: 16858239, Santos 2012 PMID: 22429680). It has also been identified in 0.005% (6/129192) of European chromosomes by gnomAD. Computational prediction tools and conservation analyses suggest that this variant may impact the protein, though this information is not predictive enough to determine pathogenicity. In summary, the clinical significance of this variant is uncertain. ACMG/AMP Criteria applied: PP3.

Revvity Omics, Revvity
Classification: Uncertain significance. Last evaluated: 2020-10-08. Review status: criteria provided, single submitter. Criteria: ACMG Guidelines, 2015. Collection method: clinical testing. Allele origin: germline. Not counted in ClinVar's aggregate classification.

Stanford Center for Inherited Cardiovascular Disease, Stanford University
Classification: Likely pathogenic. Last evaluated: 2014-03-26. Review status: criteria provided, single submitter. Criteria: ACMG Guidelines, 2015. Collection method: provider interpretation. Allele origin: germline. Not counted in ClinVar's aggregate classification.

CSER _CC_NCGL, University of Washington
Classification: Uncertain significance for Cardiomyopathy, hypertrophic. Last evaluated: 2014-06-01. Review status: no assertion criteria provided. Collection method: research. Allele origin: germline. Inheritance: Autosomal dominant inheritance. Study: ESP 6500 variant annotation. Not counted in ClinVar's aggregate classification.
Comment: Variants classified for the Actionable exomic incidental findings in 6503 participants: challenges of variant classification manuscript

Literature cited by the submitters: PubMed 16858239 (cited by 5 submitters); PubMed 18533079 (cited by 3 submitters); PubMed 22429680 (cited by 5 submitters); PubMed 25637381 (cited by Laboratory for Molecular Medicine, Mass General Brigham Personalized Medicine); PubMed 23299917 (cited by Laboratory for Molecular Medicine, Mass General Brigham Personalized Medicine).

NM_000257.4(MYH7):c.5305C>A (p.Leu1769Met)

Genes: MYH7 (myosin heavy chain 7; minus strand), LOC126861897 (BRD4-independent group 4 enhancer GRCh37_chr14:23884455-23885654; plus strand). Cytogenetic location: 14q11.2.
Variant type: single nucleotide variant.
Coding change: c.5305C>A on transcript NM_000257.4 (MANE Select); coding-DNA position 5305, C replaced by A.
Protein change: p.Leu1769Met; replaces leucine 1769 with methionine.
Molecular consequence: missense variant.
Genome position (GRCh38, 1-based): chr14:23,415,249, G>T on the plus strand (C>A on the coding strand, the complement: MYH7 is on the minus strand). VCF-style: chr14-23415249-G-T. GRCh37 (hg19) VCF-style: chr14-23884458-G-T.
Other names: NM_000257.4(MYH7):c.5305C>A; p.Leu1769Met; c.5305C>A (LRG_384t1); short protein forms L1769M.
Identifiers: ClinVar variation 161323 (VCV000161323.22), dbSNP rs139222507, ClinGen allele CA015902.